The following is an entry in ClinVar:

NM_020832.3(ZNF687):c.1070C>T (p.Ala357Val)

Gene: ZNF687 (zinc finger protein 687; plus strand). Cytogenetic location: 1q21.3.
Variant type: single nucleotide variant.
Coding change: c.1070C>T on transcript NM_020832.3 (MANE Select); coding-DNA position 1070, C replaced by T.
Protein change: p.Ala357Val; replaces alanine 357 with valine.
Molecular consequence: missense variant.
Genome position (GRCh38, 1-based): chr1:151,287,361, C>T. VCF-style: chr1-151287361-C-T. GRCh37 (hg19) VCF-style: chr1-151259837-C-T.
Other names: c.1070C>T, p.Ala357Val (NM_001304763.2, NM_001304764.2); short protein forms A357V.
Identifiers: ClinVar variation 4694038 (VCV004694038.1).

ClinVar aggregate classification (germline): Uncertain significance (1 of 4 stars; one submission).

gnomAD v4.1: 9 of 1,614,096 alleles (0.00056%); highest among the groups gnomAD compares: Admixed American, 0.0083%; no homozygotes.

Submission:

Labcorp Genetics (formerly Invitae), Labcorp
Classification: Uncertain significance. Last evaluated: 2025-08-14. Review status: criteria provided, single submitter. Criteria: Invitae Variant Classification Sherloc (09022015). Collection method: clinical testing. Allele origin: germline.
Comment: This sequence change replaces alanine, which is neutral and non-polar, with valine, which is neutral and non-polar, at codon 357 of the ZNF687 protein (p.Ala357Val). This variant is present in population databases (rs765348881, gnomAD 0.003%). This variant has not been reported in the literature in individuals affected with ZNF687-related conditions. An algorithm developed to predict the effect of missense changes on protein structure and function outputs the following: PolyPhen-2: "Benign". The valine amino acid residue is found in multiple mammalian species, which suggests that this missense change does not adversely affect protein function. In summary, the available evidence is currently insufficient to determine the role of this variant in disease. Therefore, it has been classified as a Variant of Uncertain Significance.